The following is an entry in ClinVar:

NM_000048.4(ASL):c.978+1G>A

Gene: ASL (argininosuccinate lyase; plus strand). Cytogenetic location: 7q11.21.
Variant type: single nucleotide variant.
Coding change: c.978+1G>A on transcript NM_000048.4 (MANE Select); the canonical splice donor site of the intron after coding-DNA position 978, G replaced by A.
Molecular consequence: splice donor variant. On other transcripts: intron variant (1).
Genome position (GRCh38, 1-based): chr7:66,089,336, G>A. VCF-style: chr7-66089336-G-A. GRCh37 (hg19) VCF-style: chr7-65554323-G-A.
Other names: c.978+1G>A (NM_001024943.2); c.918+161G>A (NM_001024944.2); c.900+1G>A (NM_001024946.2).
Identifiers: ClinVar variation 2445724 (VCV002445724.2), dbSNP rs569859973, ClinGen allele CA159934539.
Genomic context (GRCh38, chr7:66,089,336, plus strand): 5'-TGTGCCGGGCTCCTGATGACCCTCAAGGGACTTCCCAGCACCTACAACAAAGACTTACAG[G>A]TGCGAGGCCGGGGGAGGCCTGGCTAGTACGTGCCAGTTCTCAGGGCTCTGGCACACTCAG-3'

ClinVar aggregate classification (germline): Likely pathogenic. Review status: criteria provided, multiple submitters, no conflicts (2 of 4 stars). 2 submissions from 2 submitters: Likely pathogenic (2). Last evaluated 2024-05-24.

Conditions:
Argininosuccinate lyase deficiency. Also called: Argininosuccinic aciduria; ARGININOSUCCINIC ACID LYASE DEFICIENCY; ASL DEFICIENCY. Identifiers: Orphanet 23, MedGen C0268547, MONDO:0008815, OMIM 207900, HP:0025630.

Allele frequency attached by ClinVar (database versions not stated): gnomAD 0.00001; 1000 Genomes Project 30x 0.00016; 1000 Genomes Project 0.00020.

Submissions (2):

Fulgent Genetics
Classification: Likely pathogenic for Argininosuccinate lyase deficiency. Last evaluated: 2024-05-24. Review status: criteria provided, single submitter. Criteria: ACMG Guidelines, 2015. Collection method: clinical testing. Allele origin: germline.

Women's Health and Genetics/Laboratory Corporation of America, LabCorp
Classification: Likely pathogenic for Argininosuccinate lyase deficiency. Last evaluated: 2023-02-06. Review status: criteria provided, single submitter. Criteria: LabCorp Variant Classification Summary - May 2015. Collection method: clinical testing. Allele origin: germline.
Comment: Variant summary: ASL c.978+1G>A is located in a canonical splice-site and is predicted to affect mRNA splicing resulting in a significantly altered protein due to either exon skipping, shortening, or inclusion of intronic material. Several computational tools predict a significant impact on normal splicing: Four predict the variant abolishes a 5' splicing donor site. However, these predictions have yet to be confirmed by functional studies. The variant was absent in 229934 control chromosomes. To our knowledge, no occurrence of c.978+1G>A in individuals affected with Argininosuccinic Aciduria and no experimental evidence demonstrating its impact on protein function have been reported. No clinical diagnostic laboratories have submitted clinical-significance assessments for this variant to ClinVar after 2014. Based on the evidence outlined above, the variant was classified as likely pathogenic.

Literature cited by the submitters: PubMed 33851512 (cited by Women's Health and Genetics/Laboratory Corporation of America, LabCorp).